The following is an entry in ClinVar:

NM_018006.5(TRMU):c.902A>G (p.Tyr301Cys)

Gene: TRMU (tRNA mitochondrial 2-thiouridylase; plus strand). Cytogenetic location: 22q13.31.
Variant type: single nucleotide variant.
Coding change: c.902A>G on transcript NM_018006.5 (MANE Select); coding-DNA position 902, A replaced by G.
Protein change: p.Tyr301Cys; replaces tyrosine 301 with cysteine.
Molecular consequence: missense variant. On other transcripts: non-coding transcript variant (2).
Genome position (GRCh38, 1-based): chr22:46,355,472, A>G. VCF-style: chr22-46355472-A-G. GRCh37 (hg19) VCF-style: chr22-46751369-A-G.
Other names: p.Tyr301Cys; c.560A>G, p.Tyr187Cys (NM_001282782.2); c.482A>G, p.Tyr161Cys (NM_001282783.2, NM_001282784.2); c.902A>G, p.Tyr301Cys (NM_001282785.2); short protein forms Y187C, Y301C, Y161C.
Identifiers: ClinVar variation 901050 (VCV000901050.9), dbSNP rs186961144, ClinGen allele CA10292312.

ClinVar aggregate classification (germline): Uncertain significance. Review status: criteria provided, multiple submitters, no conflicts (2 of 4 stars). 6 submissions from 6 submitters: Uncertain significance (6). Last evaluated 2026-04-29.

Conditions:
TRMU-related disorder. Also called: TRMU-related condition.
Acute infantile liver failure due to synthesis defect of mtDNA-encoded proteins. Also called: TRMU Deficiency; Liver failure acute infantile; LIVER FAILURE, INFANTILE, TRANSIENT. Identifiers: Orphanet 217371, MedGen C3278664, MONDO:0013111, OMIM 613070.
Aminoglycoside-induced deafness. Also called: STREPTOMYCIN OTOTOXICITY; DEAFNESS, STREPTOMYCIN-INDUCED; MT-RNR1-Related Hearing Loss and Deafness. Identifiers: Orphanet 168609, MedGen C1838854, MONDO:0010799, OMIM 580000.

Allele frequency attached by ClinVar (database versions not stated): 1000 Genomes Project 30x 0.00016; gnomAD 0.00019 and 0.00020; 1000 Genomes Project 0.00020; TOPMed 0.00023; gnomAD exomes 0.00026 and 0.00042; ExAC 0.00068.
gnomAD v4.1: 417 of 1,613,086 alleles (0.026%); highest among the groups gnomAD compares: Non-Finnish European, 0.029%; no homozygotes.

Submissions (6):

PreventionGenetics, part of Exact Sciences
Classification: Uncertain significance for TRMU-related condition. Last evaluated: 2026-04-29. Review status: criteria provided, single submitter. Criteria: ACMG Guidelines, 2015. Collection method: clinical testing. Allele origin: germline.
Comment: The TRMU c.902A>G variant is predicted to result in the amino acid substitution p.Tyr301Cys. This variant has been observed in an apparently affected individual with infantile respiratory chain deficiency, however additional information was not provided (Family 3 in Supplemental Figure EV2 A and Supplemental Figure EV1 A, Hathazi et al. 2020. PubMed ID: 33128823). This variant is reported in 0.088% of alleles in individuals of European (Finnish) descent in gnomAD. At this time, the clinical significance of this variant is uncertain due to the absence of conclusive functional and genetic evidence.

Mayo Clinic Laboratories, Mayo Clinic
Classification: Uncertain significance. Last evaluated: 2025-06-21. Review status: criteria provided, single submitter. Criteria: ACMG Guidelines, 2015. Collection method: clinical testing. Allele origin: germline. Observed: 1 variant allele.
Comment: PP3

GeneDx
Classification: Uncertain significance. Last evaluated: 2024-10-02. Review status: criteria provided, single submitter. Criteria: GeneDx Variant Classification Process June 2021. Collection method: clinical testing. Allele origin: germline. Affected: yes.
Comment: Identified as heterozygous in an individual with infantile respiratory chain deficiency who was also homoplasmic for the m.14674 T>C pathogenic variant in the MT-TE gene (PMID: 33128823); In silico analysis supports that this missense variant has a deleterious effect on protein structure/function; This variant is associated with the following publications: (PMID: 33128823)

Labcorp Genetics (formerly Invitae), Labcorp
Classification: Uncertain significance. Last evaluated: 2022-03-16. Review status: criteria provided, single submitter. Criteria: Invitae Variant Classification Sherloc (09022015). Collection method: clinical testing. Allele origin: germline.
Comment: This sequence change replaces tyrosine, which is neutral and polar, with cysteine, which is neutral and slightly polar, at codon 301 of the TRMU protein (p.Tyr301Cys). This variant is present in population databases (rs186961144, gnomAD 0.08%). This variant has not been reported in the literature in individuals affected with TRMU-related conditions. ClinVar contains an entry for this variant (Variation ID: 901050). Algorithms developed to predict the effect of missense changes on protein structure and function (SIFT, PolyPhen-2, Align-GVGD) all suggest that this variant is likely to be disruptive. In summary, the available evidence is currently insufficient to determine the role of this variant in disease. Therefore, it has been classified as a Variant of Uncertain Significance.

Fulgent Genetics
Classification: Uncertain significance for Aminoglycoside-induced deafness; Acute infantile liver failure due to synthesis defect of mtDNA-encoded proteins. Last evaluated: 2022-01-14. Review status: criteria provided, single submitter. Criteria: ACMG Guidelines, 2015. Collection method: clinical testing. Allele origin: unknown.

Illumina Laboratory Services, Illumina
Classification: Uncertain significance for Acute infantile liver failure due to synthesis defect of mtDNA-encoded proteins. Last evaluated: 2018-01-13. Review status: criteria provided, single submitter. Criteria: ICSL Variant Classification Criteria 13 December 2019. Collection method: clinical testing. Allele origin: germline.

Literature cited by the submitters: PubMed 33128823 (cited by Mayo Clinic Laboratories, Mayo Clinic).